The following is an entry in ClinVar:

NM_173598.6(KSR2):c.485C>T (p.Ser162Phe)

Gene: KSR2 (kinase suppressor of ras 2; minus strand). Cytogenetic location: 12q24.23.
Variant type: single nucleotide variant.
Coding change: c.485C>T on transcript NM_173598.6 (MANE Select); coding-DNA position 485, C replaced by T.
Protein change: p.Ser162Phe; replaces serine 162 with phenylalanine.
Molecular consequence: missense variant.
Genome position (GRCh38, 1-based): chr12:117,761,512, G>A on the plus strand (C>T on the coding strand, the complement: KSR2 is on the minus strand). VCF-style: chr12-117761512-G-A. GRCh37 (hg19) VCF-style: chr12-118199317-G-A.
Other names: short protein forms S162F.
Identifiers: ClinVar variation 3353035 (VCV003353035.3).

ClinVar aggregate classification (germline): Uncertain significance. Review status: criteria provided, single submitter (1 of 4 stars). 2 submissions from 2 submitters: Uncertain significance (1). 1 of the submissions does not count toward it. Last evaluated 2024-09-23.

Conditions:
KSR2-related disorder. Also called: KSR2-related condition.

gnomAD v4.1: 10 of 1,613,512 alleles (0.00062%); highest among the groups gnomAD compares: Non-Finnish European, 0.00085%; no homozygotes.

Submissions (2):

Labcorp Genetics (formerly Invitae), Labcorp
Classification: Uncertain significance. Last evaluated: 2024-09-23. Review status: criteria provided, single submitter. Criteria: Invitae Variant Classification Sherloc (09022015). Collection method: clinical testing. Allele origin: germline.
Comment: This sequence change replaces serine, which is neutral and polar, with phenylalanine, which is neutral and non-polar, at codon 133 of the KSR2 protein (p.Ser133Phe). This variant is present in population databases (rs763664433, gnomAD 0.0009%). This variant has not been reported in the literature in individuals affected with KSR2-related conditions. An algorithm developed to predict the effect of missense changes on protein structure and function (PolyPhen-2) suggests that this variant is likely to be tolerated. In summary, the available evidence is currently insufficient to determine the role of this variant in disease. Therefore, it has been classified as a Variant of Uncertain Significance.

PreventionGenetics, part of Exact Sciences
Classification: Uncertain significance for KSR2-related condition. Last evaluated: 2024-05-14. Review status: no assertion criteria provided. Collection method: clinical testing. Allele origin: germline. Not counted in ClinVar's aggregate classification.
Comment: The KSR2 c.398C>T variant is predicted to result in the amino acid substitution p.Ser133Phe. To our knowledge, this variant has not been reported in the literature. This variant is reported in 0.00091% of alleles in individuals of European (Non-Finnish) descent in gnomAD. At this time, the clinical significance of this variant is uncertain due to the absence of conclusive functional and genetic evidence.